The following is an entry in ClinVar:

ClinVar aggregate classification (germline): Uncertain significance (1 of 4 stars; one submission).

Conditions:
Inborn genetic diseases. Identifiers: MedGen C0950123, MeSH D030342.

Submission:

Ambry Genetics
Classification: Uncertain significance for Inborn genetic diseases. Last evaluated: 2025-01-06. Review status: criteria provided, single submitter. Criteria: Ambry Variant Classification Scheme 2023. Collection method: clinical testing. Allele origin: germline.
Comment: The p.C760Y variant (also known as c.2279G>A), located in coding exon 1 of the SAMD9 gene, results from a G to A substitution at nucleotide position 2279. The cysteine at codon 760 is replaced by tyrosine, an amino acid with highly dissimilar properties. This amino acid position is conserved. In addition, this alteration is predicted to be deleterious by in silico analysis. Based on the available evidence, the clinical significance of this variant remains unclear.

NM_017654.4(SAMD9):c.2279G>A (p.Cys760Tyr)

Gene: SAMD9 (sterile alpha motif domain containing 9; minus strand). Cytogenetic location: 7q21.2.
Variant type: single nucleotide variant.
Coding change: c.2279G>A on transcript NM_017654.4 (MANE Select); coding-DNA position 2279, G replaced by A.
Protein change: p.Cys760Tyr; replaces cysteine 760 with tyrosine.
Molecular consequence: missense variant.
Genome position (GRCh38, 1-based): chr7:93,103,819, C>T on the plus strand (G>A on the coding strand, the complement: SAMD9 is on the minus strand). VCF-style: chr7-93103819-C-T. GRCh37 (hg19) VCF-style: chr7-92733132-C-T.
Other names: c.2279G>A, p.Cys760Tyr (NM_001193307.2); short protein forms C760Y.
Identifiers: ClinVar variation 3791981 (VCV003791981.1).